The following is an entry in ClinVar:

ClinVar aggregate classification (germline): Benign/Likely benign. Review status: criteria provided, multiple submitters, no conflicts (2 of 4 stars). 2 submissions from 2 submitters: Benign (1); Likely benign (1). Last evaluated 2026-04-24.

Conditions:
Colorectal cancer, susceptibility to, 1. Also called: COLORECTAL ADENOMA AND CANCER, SUSCEPTIBILITY TO; COLORECTAL CANCER, SUSCEPTIBILITY TO, ON CHROMOSOME 9. Identifiers: MedGen C1837315, MONDO:0012132, OMIM 608812.

gnomAD v4.1: 1 of 1,614,216 alleles (0.000062%); highest among the groups gnomAD compares: South Asian, 0.0011%; no homozygotes.

Submissions (2):

Myriad Genetics, Inc.
Classification: Benign for Colorectal cancer, susceptibility to, 1. Last evaluated: 2026-04-24. Review status: criteria provided, single submitter. Criteria: Myriad Autosomal Dominant, Autosomal Recessive and X-Linked Classification Criteria (2023). Collection method: clinical testing. Allele origin: unknown.
Comment: This variant is considered benign. This variant is a silent/synonymous amino acid change and it is not expected to impact splicing.

Ambry Genetics
Classification: Likely benign. Last evaluated: 2024-11-30. Review status: criteria provided, single submitter. Criteria: Ambry Variant Classification Scheme 2023. Collection method: clinical testing. Allele origin: germline.

NM_024642.5(GALNT12):c.1080T>C (p.His360=)

Gene: GALNT12 (polypeptide N-acetylgalactosaminyltransferase 12; plus strand). Cytogenetic location: 9q22.33.
Variant type: single nucleotide variant.
Coding change: c.1080T>C on transcript NM_024642.5 (MANE Select); coding-DNA position 1080, T replaced by C.
Protein change: p.His360=; no amino-acid change (histidine 360 retained).
Molecular consequence: synonymous variant.
Genome position (GRCh38, 1-based): chr9:98,837,016, T>C. VCF-style: chr9-98837016-T-C. GRCh37 (hg19) VCF-style: chr9-101599298-T-C.
Identifiers: ClinVar variation 3518520 (VCV003518520.2).
Genomic context (GRCh38, chr9:98,837,016, plus strand): 5'-TTTTCTCTGTGTGCAGATCTGGCAGTGTGGTGGGGTTCTGGAAACACACCCATGTTCCCA[T>C]GTTGGCCATGTTTTCCCCAAGCAAGCTCCCTACTCCCGCAACAAGGCTCTGGCCAACAGT-3'
Protein context (NP_078918.3, residues 350-370): GGVLETHPCS[His360=]VGHVFPKQAP